The following is an entry in ClinVar:

NM_024675.4(PALB2):c.1688A>T (p.Lys563Met)

Gene: PALB2 (partner and localizer of BRCA2; minus strand). Cytogenetic location: 16p12.2.
Variant type: single nucleotide variant.
Coding change: c.1688A>T on transcript NM_024675.4 (MANE Select); coding-DNA position 1688, A replaced by T.
Protein change: p.Lys563Met; replaces lysine 563 with methionine.
Molecular consequence: missense variant.
Genome position (GRCh38, 1-based): chr16:23,630,466, T>A on the plus strand (A>T on the coding strand, the complement: PALB2 is on the minus strand). VCF-style: chr16-23630466-T-A. GRCh37 (hg19) VCF-style: chr16-23641787-T-A.
Other names: c.1628A>T, p.Lys543Met (NM_001407296.1); c.1688A>T, p.Lys563Met (NM_001407297.1, NM_001407298.1, NM_001407299.1 and 3 more transcripts); c.803A>T, p.Lys268Met (NM_001407304.1, NM_001407305.1, NM_001407306.1 and 5 more transcripts); c.-101A>T (NM_001407312.1, NM_001407313.1); short protein forms K268M, K563M, K543M.
Identifiers: ClinVar variation 1778051 (VCV001778051.2), dbSNP rs1396029242, ClinGen allele CA395128482.

ClinVar aggregate classification (germline): Uncertain significance (1 of 4 stars; one submission).

Conditions:
Hereditary cancer-predisposing syndrome. Also called: Neoplastic Syndromes, Hereditary; Tumor predisposition; Hereditary Cancer Syndrome; Hereditary neoplastic syndrome. Identifiers: Orphanet 140162, MedGen C0027672, MeSH D009386, MONDO:0015356.

Submission:

Ambry Genetics
Classification: Uncertain significance for Hereditary cancer-predisposing syndrome. Last evaluated: 2021-08-26. Review status: criteria provided, single submitter. Criteria: Ambry Variant Classification Scheme 2023. Collection method: clinical testing. Allele origin: germline.
Comment: The p.K563M variant (also known as c.1688A>T), located in coding exon 5 of the PALB2 gene, results from an A to T substitution at nucleotide position 1688. The lysine at codon 563 is replaced by methionine, an amino acid with similar properties. This amino acid position is well conserved in available vertebrate species. In addition, this alteration is predicted to be tolerated by in silico analysis. Since supporting evidence is limited at this time, the clinical significance of this alteration remains unclear.